The following is an entry in ClinVar:

NM_004187.5(KDM5C):c.522+8T>A

Gene: KDM5C (lysine demethylase 5C; minus strand). Cytogenetic location: Xp11.22.
Variant type: single nucleotide variant.
Coding change: c.522+8T>A on transcript NM_004187.5 (MANE Select); 8 bases into the intron after coding-DNA position 522, T replaced by A.
Molecular consequence: intron variant.
Genome position (GRCh38, 1-based): chrX:53,217,788, A>T on the plus strand (T>A on the coding strand, the complement: KDM5C is on the minus strand). VCF-style: chrX-53217788-A-T. GRCh37 (hg19) VCF-style: chrX-53246970-A-T.
Other names: c.522+8T>A (NM_001353982.2, NM_001353979.2, NM_001353981.2 and 3 more transcripts); c.321+8T>A (NM_001146702.2).
Identifiers: ClinVar variation 4882465 (VCV004882465.2).

ClinVar aggregate classification (germline): Uncertain significance (1 of 4 stars; one submission).

Submission:

Dasa
Classification: Uncertain significance. Last evaluated: 2025-12-19. Review status: criteria provided, single submitter. Criteria: DASA Assertion Criteria. Collection method: clinical testing. Allele origin: germline.
Comment: NM_004187.5(KDM5C):c.522+8T>A is a splice-region variant. This variant is rare in population databases. Computational prediction algorithms are consistent with a benign effect. The currently available literature and clinical evidence are not sufficient to establish a definitive association between this variant and the reported condition. Therefore, this variant is classified as a variant of uncertain significance.